The following is an entry in ClinVar:

NM_001142800.2(EYS):c.1845del (p.Val616fs)

Gene: EYS (EGF-like photoreceptor maintenance factor; minus strand). Cytogenetic location: 6q12.
Variant type: Deletion.
Coding change: c.1845del on transcript NM_001142800.2 (MANE Select); coding-DNA position 1845, one base deleted (A; older notation c.1845delA).
Protein change: p.Val616fs; shifts the reading frame from valine 616.
Molecular consequence: frameshift variant.
Genome position (GRCh38, 1-based): chr6:65,296,041, T deleted on the plus strand (A on the coding strand, the reverse complement: EYS is on the minus strand). VCF-style (leftmost placement, unchanged base first): chr6-65296040-CT-C. GRCh37 (hg19) VCF-style: chr6-66005933-CT-C.
Other names: c.1845del, p.Val616fs (NM_001292009.2); short protein forms V616fs.
Identifiers: ClinVar variation 2021057 (VCV002021057.4), dbSNP rs2533013084, ClinGen allele CA2580075674.

ClinVar aggregate classification (germline): Pathogenic (1 of 4 stars; one submission).

Submission:

Labcorp Genetics (formerly Invitae), Labcorp
Classification: Pathogenic. Last evaluated: 2022-10-25. Review status: criteria provided, single submitter. Criteria: Invitae Variant Classification Sherloc (09022015). Collection method: clinical testing. Allele origin: germline.
Comment: For these reasons, this variant has been classified as Pathogenic. This variant has not been reported in the literature in individuals affected with EYS-related conditions. This variant is not present in population databases (gnomAD no frequency). This sequence change creates a premature translational stop signal (p.Val616Cysfs*27) in the EYS gene. It is expected to result in an absent or disrupted protein product. Loss-of-function variants in EYS are known to be pathogenic (PMID: 18836446, 20333770).

Literature cited by the submitters: PubMed 18836446; PubMed 20333770.